The following is an entry in ClinVar:

NM_002469.3(MYF6):c.281G>A (p.Arg94Gln)

Gene: MYF6 (myogenic factor 6; plus strand). Cytogenetic location: 12q21.31.
Variant type: single nucleotide variant.
Coding change: c.281G>A on transcript NM_002469.3 (MANE Select); coding-DNA position 281, G replaced by A.
Protein change: p.Arg94Gln; replaces arginine 94 with glutamine.
Molecular consequence: missense variant.
Genome position (GRCh38, 1-based): chr12:80,708,000, G>A. VCF-style: chr12-80708000-G-A. GRCh37 (hg19) VCF-style: chr12-81101779-G-A.
Other names: short protein forms R94Q.
Identifiers: ClinVar variation 310507 (VCV000310507.15), dbSNP rs201273759, ClinGen allele CA6703056.
Genomic context (GRCh38, chr12:80,708,000, plus strand): 5'-CCGGCCAGTGTCTGATCTGGGCTTGCAAGACCTGCAAGAGAAAATCTGCCCCCACTGACC[G>A]GCGAAAAGCCGCCACCCTGCGCGAAAGGAGGAGGCTAAAGAAAATCAACGAGGCCTTCGA-3'
Protein context (NP_002460.1, residues 84-104): TCKRKSAPTD[Arg94Gln]RKAATLRERR

ClinVar aggregate classification (germline): Uncertain significance (1 of 4 stars; one submission).

Conditions:
Autosomal dominant centronuclear myopathy. Also called: MYOTUBULAR MYOPATHY, AUTOSOMAL DOMINANT; Myopathy, centronuclear, 3. Identifiers: Orphanet 169189, MedGen C4551952, MeSH D020914, MONDO:0008048, OMIM 160150.

Allele frequency attached by ClinVar (database versions not stated): gnomAD exomes 0.00001 and 0.00002; TOPMed 0.00001; ExAC 0.00002.

Submission:

Labcorp Genetics (formerly Invitae), Labcorp
Classification: Uncertain significance for Autosomal dominant centronuclear myopathy. Last evaluated: 2020-04-30. Review status: criteria provided, single submitter. Criteria: Invitae Variant Classification Sherloc (09022015). Collection method: clinical testing. Allele origin: germline.
Comment: In summary, the available evidence is currently insufficient to determine the role of this variant in disease. Therefore, it has been classified as a Variant of Uncertain Significance. Algorithms developed to predict the effect of sequence changes on RNA splicing suggest that this variant may create or strengthen a splice site, but this prediction has not been confirmed by published transcriptional studies. Algorithms developed to predict the effect of missense changes on protein structure and function (SIFT, PolyPhen-2, Align-GVGD) all suggest that this variant is likely to be disruptive, but these predictions have not been confirmed by published functional studies and their clinical significance is uncertain. This variant has not been reported in the literature in individuals with MYF6-related conditions. ClinVar contains an entry for this variant (Variation ID: 310507). This variant is present in population databases (rs201273759, ExAC 0.01%). This sequence change replaces arginine with glutamine at codon 94 of the MYF6 protein (p.Arg94Gln). The arginine residue is highly conserved and there is a small physicochemical difference between arginine and glutamine.